The following is an entry in ClinVar:

ClinVar aggregate classification (germline): Conflicting classifications of pathogenicity. Review status: criteria provided, conflicting classifications (1 of 4 stars). 11 submissions from 11 submitters: Pathogenic (2); Likely pathogenic (4); Uncertain significance (3). 2 of the submissions do not count toward it. Last evaluated 2026-02-25.

Conditions:
Hypercalcemia, infantile, 2 (HCINF2). Identifiers: Orphanet 300547, MedGen C4310473, MONDO:0014851, OMIM 616963.
Fetal anomalies with a likely genetic cause.
Hypophosphatemic nephrolithiasis/osteoporosis 1. Identifiers: Orphanet 244305, MedGen C2676786, MONDO:0012850, OMIM 612286.
Fanconi renotubular syndrome 2 (FRTS2). Identifiers: MedGen C3150652, MONDO:0013247, OMIM 613388.
SLC34A1-related disorder. Also called: SLC34A1-related condition; SLC34A1-related disorders.

Allele frequency attached by ClinVar (database versions not stated): TOPMed 0.00009; gnomAD exomes 0.00010; gnomAD 0.00011; ExAC 0.00015; ESP Exome Variant Server 0.00023.
gnomAD v4.1: 271 of 1,614,098 alleles (0.017%); highest among the groups gnomAD compares: Non-Finnish European, 0.022%; no homozygotes.

Submissions (11):

Genetics Laboratory, Great Ormond Street Hospital NHS Foundation Trust, North Thames Genomic Laboratory Hub
Classification: Uncertain significance for Fetal anomalies with a likely genetic cause. Last evaluated: 2026-02-25. Review status: criteria provided, single submitter. Criteria: ACGS Best Practice Guidelines for Variant Classification in Rare Disease 2024 v1.2. Collection method: clinical testing. Allele origin: germline. Affected: yes.
Comment: PS4_moderate, PP3_supporting, PS3_moderate

Labcorp Genetics (formerly Invitae), Labcorp
Classification: Pathogenic. Last evaluated: 2025-10-14. Review status: criteria provided, single submitter. Criteria: Invitae Variant Classification Sherloc (09022015). Collection method: clinical testing. Allele origin: germline.
Comment: This sequence change replaces valine, which is neutral and non-polar, with glutamic acid, which is acidic and polar, at codon 408 of the SLC34A1 protein (p.Val408Glu). This variant is present in population databases (rs140649226, gnomAD 0.02%). This missense change has been observed in individual(s) with infantile hypercalcemia and/or kidney disease (PMID: 26047794, 31672324; internal data). In at least one individual the data is consistent with being in trans (on the opposite chromosome) from a pathogenic variant. ClinVar contains an entry for this variant (Variation ID: 1061290). Invitae Evidence Modeling of protein sequence and biophysical properties (such as structural, functional, and spatial information, amino acid conservation, physicochemical variation, residue mobility, and thermodynamic stability) indicates that this missense variant is not expected to disrupt SLC34A1 protein function with a negative predictive value of 80%. Experimental studies have shown that this missense change affects SLC34A1 function (PMID: 26047794). For these reasons, this variant has been classified as Pathogenic.

Rare Kidney Stone Consortium and the Mayo Clinic Hyperoxaluria Center, Mayo Clinic
Classification: Pathogenic for Fanconi renotubular syndrome 2; Hypercalcemia, infantile, 2; Hypophosphatemic nephrolithiasis/osteoporosis 1. Last evaluated: 2025-10-03. Review status: criteria provided, single submitter. Criteria: ACMG Guidelines, 2015. Collection method: research. Allele origin: germline. Affected: yes. Observed: 1 variant allele.
Comment: ACMG:PM2, PM3, PP3, PP5

Blueprint Genetics
Classification: Likely pathogenic for SLC34A1-related disorders. Last evaluated: 2024-10-03. Review status: criteria provided, single submitter. Criteria: ACMG Guidelines, 2015. Collection method: clinical testing. Allele origin: germline. Affected: yes. Observed: 5 variant alleles.

Fulgent Genetics
Classification: Likely pathogenic for Hypophosphatemic nephrolithiasis/osteoporosis 1; Fanconi renotubular syndrome 2; Hypercalcemia, infantile, 2. Last evaluated: 2024-04-17. Review status: criteria provided, single submitter. Criteria: ACMG Guidelines, 2015. Collection method: clinical testing. Allele origin: germline.

Institute of Human Genetics, University of Leipzig Medical Center
Classification: Likely pathogenic for Hypercalcemia, infantile, 2. Last evaluated: 2024-04-08. Review status: criteria provided, single submitter. Criteria: ACMG Guidelines, 2015. Collection method: clinical testing. Allele origin: unknown. Inheritance: Autosomal recessive inheritance. Affected: yes.
Comment: Criteria applied: PS3_MOD,PM3,PM5_SUP,PP3

CeGaT Center for Human Genetics Tuebingen
Classification: Likely pathogenic. Last evaluated: 2023-09-01. Review status: criteria provided, single submitter. Criteria: CeGaT Center For Human Genetics Tuebingen Variant Classification Criteria Version 2. Collection method: clinical testing. Allele origin: germline. Affected: yes. Observed: 2 variant alleles.
Comment: SLC34A1: PM3:Strong, PM2, PS3:Supporting

ARUP Laboratories, Molecular Genetics and Genomics, ARUP Laboratories
Classification: Uncertain significance. Last evaluated: 2023-06-28. Review status: criteria provided, single submitter. Criteria: ARUP Molecular Germline Variant Investigation Process 2024. Collection method: clinical testing. Allele origin: germline.

GeneDx
Classification: Uncertain significance. Last evaluated: 2021-04-23. Review status: criteria provided, single submitter. Criteria: GeneDx Variant Classification Process June 2021. Collection method: clinical testing. Allele origin: germline. Affected: yes.
Comment: Published functional studies suggest V408E causes a loss of phosphate transport activity (Schlingmann et al., 2016); In silico analysis, which includes protein predictors and evolutionary conservation, supports a deleterious effect; This variant is associated with the following publications: (PMID: 31188746, 31672324, 29275531, 26047794)

PreventionGenetics, part of Exact Sciences
Classification: Pathogenic for SLC34A1-related condition. Last evaluated: 2024-05-30. Review status: no assertion criteria provided. Collection method: clinical testing. Allele origin: germline. Not counted in ClinVar's aggregate classification.
Comment: The SLC34A1 c.1223T>A variant is predicted to result in the amino acid substitution p.Val408Glu. This variant was reported in the compound heterozygous state in an individual with idiopathic infantile hypercalcemia (Schlingmann et al. 2016. PubMed ID: 26047794). This variant was also reported in the heterozygous state in an individual with renal hypophosphatemia (Table S1, Hureaux et al. 2019. PubMed ID: 31672324). Functional studies showed that this variant causes reduced SLC34A1 trafficking to the plasma membrane and loss of phosphate transport activity (Schlingmann et al. 2016. PubMed ID: 26047794). This variant is reported in 0.019% of alleles in individuals of European (Non-Finnish) descent in gnomAD. A different nucleotide substitution affecting the same amino acid (p.Val408Met) is associated with renal hypophosphatemia (Table S1, Hureaux et al. 2019. PubMed ID: 31672324). Taken together, the c.1223T>A (p.Val408Glu) is interpreted as pathogenic.

Molecular Genetics Laboratory, Biobizkaia Health Research Institute
Classification: Pathogenic for Hypercalcemia, infantile, 2. Last evaluated: 2024-03-08. Review status: no assertion criteria provided. Collection method: clinical testing. Allele origin: germline. Affected: yes. Not counted in ClinVar's aggregate classification.

Literature cited by the submitters: PubMed 26047794 (cited by Labcorp Genetics (formerly Invitae), Labcorp and Rare Kidney Stone Consortium and the Mayo Clinic Hyperoxaluria Center, Mayo Clinic); PubMed 31672324 (cited by Labcorp Genetics (formerly Invitae), Labcorp and Rare Kidney Stone Consortium and the Mayo Clinic Hyperoxaluria Center, Mayo Clinic); PubMed 38586466 (cited by Rare Kidney Stone Consortium and the Mayo Clinic Hyperoxaluria Center, Mayo Clinic); PubMed 40794449 (cited by Rare Kidney Stone Consortium and the Mayo Clinic Hyperoxaluria Center, Mayo Clinic).

NM_003052.5(SLC34A1):c.1223T>A (p.Val408Glu)

Gene: SLC34A1 (solute carrier family 34 member 1; plus strand). Cytogenetic location: 5q35.3.
Variant type: single nucleotide variant.
Coding change: c.1223T>A on transcript NM_003052.5 (MANE Select); coding-DNA position 1223, T replaced by A.
Protein change: p.Val408Glu; replaces valine 408 with glutamic acid.
Molecular consequence: missense variant.
Genome position (GRCh38, 1-based): chr5:177,396,781, T>A. VCF-style: chr5-177396781-T-A. GRCh37 (hg19) VCF-style: chr5-176823782-T-A.
Other names: short protein forms V408E.
Identifiers: ClinVar variation 1061290 (VCV001061290.45), dbSNP rs140649226, ClinGen allele CA3580700.
Genomic context (GRCh38, chr5:177,396,781, plus strand): 5'-GTTTCCTTGCAGACTTCCCTGCCCCCTTCACCTGGGTCACAGGCTACTTTGCCATGGTGG[T>A]GGGCGCCAGCATGACCTTCGTGGTCCAGAGCAGTTCTGTGTTCACCTCGGCCATCACCCC-3'
Protein context (NP_003043.3, residues 398-418): TWVTGYFAMV[Val408Glu]GASMTFVVQS